The following is an entry in ClinVar:

NM_001101426.4(CRPPA):c.1161A>T (p.Lys387Asn)

Genes: CRPPA (CDP-L-ribitol pyrophosphorylase A; minus strand), CRPPA-AS1 (CRPPA antisense RNA 1; plus strand). Cytogenetic location: 7p21.2.
Variant type: single nucleotide variant.
Coding change: c.1161A>T on transcript NM_001101426.4 (MANE Select); coding-DNA position 1161, A replaced by T.
Protein change: p.Lys387Asn; replaces lysine 387 with asparagine.
Molecular consequence: missense variant. On other transcripts: non-coding transcript variant (1).
Genome position (GRCh38, 1-based): chr7:16,216,156, T>A on the plus strand (A>T on the coding strand, the complement: CRPPA is on the minus strand). VCF-style: chr7-16216156-T-A. GRCh37 (hg19) VCF-style: chr7-16255781-T-A.
Other names: c.1011A>T, p.Lys337Asn (NM_001101417.4); c.1056A>T, p.Lys352Asn (NM_001368197.1); short protein forms K387N, K352N, K337N.
Identifiers: ClinVar variation 285719 (VCV000285719.11), dbSNP rs368477537, ClinGen allele CA4169363.

ClinVar aggregate classification (germline): Uncertain significance. Review status: criteria provided, multiple submitters, no conflicts (2 of 4 stars). 5 submissions from 5 submitters: Uncertain significance (5). Last evaluated 2025-06-04.

Conditions:
Muscular dystrophy-dystroglycanopathy (congenital with brain and eye anomalies), type A, 7. Also called: WALKER-WARBURG SYNDROME OR MUSCLE-EYE-BRAIN DISEASE, ISPD-RELATED; Congenital muscular dystrophy-dystroglycanopathy with brain and eye anomalies, type A7. Identifiers: Orphanet 899, MedGen C3553330, MONDO:0013835, OMIM 614643.
Autosomal recessive limb-girdle muscular dystrophy type 2U. Also called: MUSCULAR DYSTROPHY, LIMB-GIRDLE, TYPE 2U; Muscular dystrophy-dystroglycanopathy (limb-girdle), type c, 7. Identifiers: Orphanet 352479, MedGen C5190987, MONDO:0014474, OMIM 616052.

Allele frequency attached by ClinVar (database versions not stated): gnomAD 0.00001; gnomAD exomes 0.00001; TOPMed 0.00001.
gnomAD v4.1: 14 of 1,594,966 alleles (0.00088%); highest among the groups gnomAD compares: South Asian, 0.0045%; no homozygotes.

Submissions (5):

Labcorp Genetics (formerly Invitae), Labcorp
Classification: Uncertain significance for Muscular dystrophy-dystroglycanopathy (congenital with brain and eye anomalies), type A, 7; Autosomal recessive limb-girdle muscular dystrophy type 2U. Last evaluated: 2025-06-04. Review status: criteria provided, single submitter. Criteria: Invitae Variant Classification Sherloc (09022015). Collection method: clinical testing. Allele origin: germline.
Comment: This sequence change replaces lysine, which is basic and polar, with asparagine, which is neutral and polar, at codon 387 of the ISPD protein (p.Lys387Asn). This variant is present in population databases (rs368477537, gnomAD 0.007%). This variant has not been reported in the literature in individuals affected with ISPD-related conditions. ClinVar contains an entry for this variant (Variation ID: 285719). An algorithm developed to predict the effect of missense changes on protein structure and function (PolyPhen-2) suggests that this variant is likely to be tolerated. In summary, the available evidence is currently insufficient to determine the role of this variant in disease. Therefore, it has been classified as a Variant of Uncertain Significance.

Ambry Genetics
Classification: Uncertain significance. Last evaluated: 2024-11-10. Review status: criteria provided, single submitter. Criteria: Ambry Variant Classification Scheme 2023. Collection method: clinical testing. Allele origin: germline.

Revvity Omics, Revvity
Classification: Uncertain significance. Last evaluated: 2022-05-12. Review status: criteria provided, single submitter. Criteria: ACMG Guidelines, 2015. Collection method: clinical testing. Allele origin: germline.

GeneDx
Classification: Uncertain significance. Last evaluated: 2021-07-02. Review status: criteria provided, single submitter. Criteria: GeneDx Variant Classification Process June 2021. Collection method: clinical testing. Allele origin: germline. Affected: yes.
Comment: Not observed at significant frequency in large population cohorts (Lek et al., 2016); In silico analysis supports that this missense variant does not alter protein structure/function; Has not been previously published as pathogenic or benign to our knowledge; This variant is associated with the following publications: (PMID: 27535533)

Eurofins Ntd Llc (ga)
Classification: Uncertain significance. Last evaluated: 2016-01-06. Review status: criteria provided, single submitter. Criteria: EGL Classification Definitions 2015. Collection method: clinical testing. Allele origin: germline. Observed: 1 variant allele, 1 heterozygote.